The following is an entry in ClinVar:

NM_000214.3(JAG1):c.35G>T (p.Arg12Leu)

Gene: JAG1 (jagged canonical Notch ligand 1; minus strand). Cytogenetic location: 20p12.2.
Variant type: single nucleotide variant.
Coding change: c.35G>T on transcript NM_000214.3 (MANE Select); coding-DNA position 35, G replaced by T.
Protein change: p.Arg12Leu; replaces arginine 12 with leucine.
Molecular consequence: missense variant.
Genome position (GRCh38, 1-based): chr20:10,673,496, C>A on the plus strand (G>T on the coding strand, the complement: JAG1 is on the minus strand). VCF-style: chr20-10673496-C-A. GRCh37 (hg19) VCF-style: chr20-10654144-C-A.
Other names: short protein forms R12L.
Identifiers: ClinVar variation 4858544 (VCV004858544.1).

ClinVar aggregate classification (germline): Uncertain significance (1 of 4 stars; one submission).

Conditions:
Cardiovascular phenotype. Identifiers: MedGen CN230736.

Submission:

Ambry Genetics
Classification: Uncertain significance for Cardiovascular phenotype. Last evaluated: 2026-06-14. Review status: criteria provided, single submitter. Criteria: Ambry Variant Classification Scheme 2023. Collection method: clinical testing. Allele origin: germline.
Comment: The p.R12L variant (also known as c.35G>T), located in coding exon 1 of the JAG1 gene, results from a G to T substitution at nucleotide position 35. The arginine at codon 12 is replaced by leucine, an amino acid with dissimilar properties. This amino acid position is conserved. In addition, this alteration is predicted to be tolerated by in silico analysis. Based on the available evidence, the clinical significance of this variant remains unclear.